The following is an entry in ClinVar:

ClinVar aggregate classification (germline): Benign (1 of 4 stars; one submission).

Submission:

Laboratory for Molecular Medicine, Mass General Brigham Personalized Medicine
Classification: Benign. Last evaluated: 2014-06-03. Review status: criteria provided, single submitter. Criteria: LMM Criteria. Collection method: clinical testing. Allele origin: germline. Observed: 2 variant alleles.
Comment: Glu621del in exon 2 of TPRN: This variant is not expected to have clinical signi ficance because it has been identified in 5.7% (455/8007) of European American c hromosomes and 6.5% (268/4126) of African American chromosomes by the NHLBI Exom e Sequencing Project.

NM_001128228.3(TPRN):c.1845_1847del (p.Glu621del)

Gene: TPRN (taperin; minus strand). Cytogenetic location: 9q34.3.
Variant type: Deletion.
Coding change: c.1845_1847del on transcript NM_001128228.3 (MANE Select); coding-DNA positions 1845 to 1847, 3 bases deleted (AGA; older notation c.1845_1847delAGA).
Protein change: p.Glu621del; deletes glutamic acid 621.
Molecular consequence: inframe deletion.
Genome position (GRCh38, 1-based): chr9:137,192,570-137,192,572, TCT deleted on the plus strand (AGA on the coding strand, the reverse complement: TPRN is on the minus strand); deleting any 3 consecutive bases within chr9:137,192,570-137,192,574 gives the same sequence; the c. name uses the placement nearest the transcript's 3' end. VCF-style (leftmost placement, unchanged base first): chr9-137192569-CTCT-C. GRCh37 (hg19) VCF-style: chr9-140087021-CTCT-C.
Other names: short protein forms E621del.
Identifiers: ClinVar variation 165578 (VCV000165578.5), dbSNP rs727503521, ClinGen allele CA178318.